The following is an entry in ClinVar:

ClinVar aggregate classification (germline): Conflicting classifications of pathogenicity. Review status: criteria provided, conflicting classifications (1 of 4 stars). 3 submissions from 3 submitters: Likely pathogenic (1); Uncertain significance (2). Last evaluated 2026-06-22.

Conditions:
Familial thoracic aortic aneurysm and aortic dissection (TAAD). Also called: Thoracic aortic aneurysms and dissections. Identifiers: Orphanet 91387, MedGen C4707243, MONDO:0019625.
Marfan syndrome (MFS). Also called: Marfan syndrome type 1; Marfan syndrome, classic; Marfan's syndrome; FBN1-Related Marfan Syndrome; MARFAN SYNDROME, TYPE I. Identifiers: Orphanet 284963, Orphanet 558, MedGen C0024796, MONDO:0007947, OMIM 154700.

Allele frequency attached by ClinVar (database versions not stated): gnomAD exomes below 0.00001; gnomAD 0.00001; TOPMed below 0.00001; ExAC 0.00001.
gnomAD v4.1: 4 of 1,613,162 alleles (0.00025%); highest among the groups gnomAD compares: African/African-American, 0.0013%; no homozygotes.

Submissions (3):

Women's Health and Genetics/Laboratory Corporation of America, LabCorp
Classification: Uncertain significance. Last evaluated: 2026-06-22. Review status: criteria provided, single submitter. Criteria: LabCorp Variant Classification Summary - May 2015. Collection method: clinical testing. Allele origin: germline.
Comment: Variant summary: FBN1 c.8039G>A (p.Arg2680His) results in a non-conservative amino acid change in the encoded protein sequence. Algorithms developed to predict the effect of missense changes on protein structure and function all suggest that this variant is likely to be disruptive. The variant allele was found at a frequency of 4e-06 in 249436 control chromosomes. The available data on variant occurrences in the general population are insufficient to allow any conclusion about variant significance. c.8039G>A has been observed in at least an individual affected with FBN1-related conditions (internal data). These data do not allow any conclusion about variant significance. A different variant affecting the same codon has been classified as likely pathogenic/pathogenic by our lab (c.8038C>T, p.Arg2680Cys), supporting the critical relevance of codon 2680 to FBN1 protein function. To our knowledge, no experimental evidence demonstrating an impact on protein function has been reported. ClinVar contains an entry for this variant (Variation ID: 527153). Based on the evidence outlined above, the variant was classified as VUS-possibly pathogenic.

Labcorp Genetics (formerly Invitae), Labcorp
Classification: Likely pathogenic for Marfan syndrome; Familial thoracic aortic aneurysm and aortic dissection. Last evaluated: 2025-05-18. Review status: criteria provided, single submitter. Criteria: Invitae Variant Classification Sherloc (09022015). Collection method: clinical testing. Allele origin: germline.
Comment: This sequence change replaces arginine, which is basic and polar, with histidine, which is basic and polar, at codon 2680 of the FBN1 protein (p.Arg2680His). This variant is present in population databases (rs748934203, gnomAD 0.0009%). This missense change has been observed in individuals with clinical features of FBN1-related conditions (internal data). ClinVar contains an entry for this variant (Variation ID: 527153). Invitae Evidence Modeling of protein sequence and biophysical properties (such as structural, functional, and spatial information, amino acid conservation, physicochemical variation, residue mobility, and thermodynamic stability) has been performed for this missense variant. However, the output from this modeling did not meet the statistical confidence thresholds required to predict the impact of this variant on FBN1 protein function. In summary, the currently available evidence indicates that the variant is pathogenic, but additional data are needed to prove that conclusively. Therefore, this variant has been classified as Likely Pathogenic.

CHEO Genetics Diagnostic Laboratory, Children's Hospital of Eastern Ontario
Classification: Uncertain significance for Familial thoracic aortic aneurysm and aortic dissection. Last evaluated: 2019-02-14. Review status: criteria provided, single submitter. Criteria: ACMG Guidelines, 2015. Collection method: clinical testing. Allele origin: germline.

NM_000138.5(FBN1):c.8039G>A (p.Arg2680His)

Gene: FBN1 (fibrillin 1; minus strand). Cytogenetic location: 15q21.1.
Variant type: single nucleotide variant.
Coding change: c.8039G>A on transcript NM_000138.5 (MANE Select); coding-DNA position 8039, G replaced by A.
Protein change: p.Arg2680His; replaces arginine 2680 with histidine.
Molecular consequence: missense variant.
Genome position (GRCh38, 1-based): chr15:48,415,548, C>T on the plus strand (G>A on the coding strand, the complement: FBN1 is on the minus strand). VCF-style: chr15-48415548-C-T. GRCh37 (hg19) VCF-style: chr15-48707745-C-T.
Other names: short protein forms R2680H.
Identifiers: ClinVar variation 527153 (VCV000527153.14), dbSNP rs748934203, ClinGen allele CA059476.